The following is an entry in ClinVar:

ClinVar aggregate classification (germline): Uncertain significance. Review status: criteria provided, multiple submitters, no conflicts (2 of 4 stars). 2 submissions from 2 submitters: Uncertain significance (2). Last evaluated 2025-04-20.

Conditions:
Inborn genetic diseases. Identifiers: MedGen C0950123, MeSH D030342.

Allele frequency attached by ClinVar (database versions not stated): TOPMed 0.00011; ExAC 0.00012; ESP Exome Variant Server 0.00015.

Submissions (2):

Ambry Genetics
Classification: Uncertain significance for Inborn genetic diseases. Last evaluated: 2025-04-20. Review status: criteria provided, single submitter. Criteria: Ambry Variant Classification Scheme 2023. Collection method: clinical testing. Allele origin: germline.

Labcorp Genetics (formerly Invitae), Labcorp
Classification: Uncertain significance. Last evaluated: 2022-03-20. Review status: criteria provided, single submitter. Criteria: Invitae Variant Classification Sherloc (09022015). Collection method: clinical testing. Allele origin: germline.
Comment: This sequence change replaces glutamic acid, which is acidic and polar, with lysine, which is basic and polar, at codon 1023 of the POP1 protein (p.Glu1023Lys). This variant is present in population databases (rs142016700, gnomAD 0.02%). This variant has not been reported in the literature in individuals affected with POP1-related conditions. Algorithms developed to predict the effect of missense changes on protein structure and function are either unavailable or do not agree on the potential impact of this missense change (SIFT: "Tolerated"; PolyPhen-2: "Possibly Damaging"; Align-GVGD: "Class C0"). In summary, the available evidence is currently insufficient to determine the role of this variant in disease. Therefore, it has been classified as a Variant of Uncertain Significance.

NM_001145860.2(POP1):c.3067G>A (p.Glu1023Lys)

Gene: POP1 (POP1 ribonuclease P/MRP subunit; plus strand). Cytogenetic location: 8q22.2.
Variant type: single nucleotide variant.
Coding change: c.3067G>A on transcript NM_001145860.2 (MANE Select); coding-DNA position 3067, G replaced by A.
Protein change: p.Glu1023Lys; replaces glutamic acid 1023 with lysine.
Molecular consequence: missense variant.
Genome position (GRCh38, 1-based): chr8:98,158,263, G>A. VCF-style: chr8-98158263-G-A. GRCh37 (hg19) VCF-style: chr8-99170491-G-A.
Other names: c.3067G>A, p.Glu1023Lys (NM_001145861.2, NM_015029.3); c.3067G>A (NM_015029.2); short protein forms E1023K.
Identifiers: ClinVar variation 2170271 (VCV002170271.2), dbSNP rs142016700, ClinGen allele CA4820957.